The following is an entry in ClinVar:

ClinVar aggregate classification (germline): Uncertain significance (1 of 4 stars; one submission).

Submission:

Labcorp Genetics (formerly Invitae), Labcorp
Classification: Uncertain significance. Last evaluated: 2024-03-19. Review status: criteria provided, single submitter. Criteria: Invitae Variant Classification Sherloc (09022015). Collection method: clinical testing. Allele origin: germline.
Comment: This sequence change replaces histidine, which is basic and polar, with aspartic acid, which is acidic and polar, at codon 133 of the CLTC protein (p.His133Asp). This variant is not present in population databases (gnomAD no frequency). This variant has not been reported in the literature in individuals affected with CLTC-related conditions. Advanced modeling of protein sequence and biophysical properties (such as structural, functional, and spatial information, amino acid conservation, physicochemical variation, residue mobility, and thermodynamic stability) performed at Invitae indicates that this missense variant is expected to disrupt CLTC protein function with a positive predictive value of 80%. In summary, the available evidence is currently insufficient to determine the role of this variant in disease. Therefore, it has been classified as a Variant of Uncertain Significance.

NM_004859.4(CLTC):c.385C>G (p.His129Asp)

Gene: CLTC (clathrin heavy chain; plus strand). Cytogenetic location: 17q23.1.
Variant type: single nucleotide variant.
Coding change: c.385C>G on transcript NM_004859.4 (MANE Select); coding-DNA position 385, C replaced by G.
Protein change: p.His129Asp; replaces histidine 129 with aspartic acid.
Molecular consequence: missense variant.
Genome position (GRCh38, 1-based): chr17:59,647,532, C>G. VCF-style: chr17-59647532-C-G. GRCh37 (hg19) VCF-style: chr17-57724893-C-G.
Other names: c.397C>G, p.His133Asp (NM_001288653.2); short protein forms H133D, H129D.
Identifiers: ClinVar variation 3645419 (VCV003645419.2).
Genomic context (GRCh38, chr17:59,647,532, plus strand): 5'-ACCTTTTGGAAATGGATCTCTTTGAATACGGTTGCTCTTGTTACGGATAATGCAGTTTAT[C>G]ACTGGAGTATGGAAGGAGAGTCTCAGCCAGTGAAAATGTTTGATCGCCATTCTAGCCTTG-3'
Protein context (NP_004850.1, residues 119-139): VALVTDNAVY[His129Asp]WSMEGESQPV